The following is an entry in ClinVar:

NM_005045.4(RELN):c.337+4A>T

Gene: RELN (reelin; minus strand). Cytogenetic location: 7q22.1.
Variant type: single nucleotide variant.
Coding change: c.337+4A>T on transcript NM_005045.4 (MANE Select); 4 bases into the intron after coding-DNA position 337, A replaced by T.
Molecular consequence: intron variant.
Genome position (GRCh38, 1-based): chr7:103,917,071, T>A on the plus strand (A>T on the coding strand, the complement: RELN is on the minus strand). VCF-style: chr7-103917071-T-A. GRCh37 (hg19) VCF-style: chr7-103557518-T-A.
Other names: c.337+4A>T (NM_173054.3).
Identifiers: ClinVar variation 1347845 (VCV001347845.6), dbSNP rs1326392159, ClinGen allele CA2573141367.

ClinVar aggregate classification (germline): Uncertain significance (1 of 4 stars; one submission).

Conditions:
Norman-Roberts syndrome (LIS2). Also called: Lissencephaly 2 (Norman-Roberts type). Identifiers: Orphanet 89844, MedGen C0796089, MONDO:0009760, OMIM 257320.
Familial temporal lobe epilepsy 7. Identifiers: Orphanet 101046, MedGen C4225327, MONDO:0014639, OMIM 616436.

Submission:

Labcorp Genetics (formerly Invitae), Labcorp
Classification: Uncertain significance for Familial temporal lobe epilepsy 7; Norman-Roberts syndrome. Last evaluated: 2023-11-27. Review status: criteria provided, single submitter. Criteria: Invitae Variant Classification Sherloc (09022015). Collection method: clinical testing. Allele origin: germline.
Comment: This sequence change falls in intron 2 of the RELN gene. It does not directly change the encoded amino acid sequence of the RELN protein. It affects a nucleotide within the consensus splice site. This variant is not present in population databases (gnomAD no frequency). This variant has not been reported in the literature in individuals affected with RELN-related conditions. ClinVar contains an entry for this variant (Variation ID: 1347845). Variants that disrupt the consensus splice site are a relatively common cause of aberrant splicing (PMID: 17576681, 9536098). Algorithms developed to predict the effect of sequence changes on RNA splicing suggest that this variant is not likely to affect RNA splicing. In summary, the available evidence is currently insufficient to determine the role of this variant in disease. Therefore, it has been classified as a Variant of Uncertain Significance.

Literature cited by the submitters: PubMed 17576681; PubMed 9536098.